The following is an entry in ClinVar:

ClinVar aggregate classification (germline): Likely benign (1 of 4 stars; one submission).

Conditions:
CUL4B-related disorder. Also called: CUL4B-related condition.

Submission:

PreventionGenetics, part of Exact Sciences
Classification: Likely benign for CUL4B-related condition. Last evaluated: 2026-08-19. Review status: criteria provided, single submitter. Criteria: ACMG Guidelines, 2015. Collection method: clinical testing. Allele origin: germline.
Comment: This variant is classified as likely benign based on ACMG/AMP sequence variant interpretation guidelines (Richards et al. 2015 PMID: 25741868, with internal and published modifications).

NM_001079872.2(CUL4B):c.2197C>T (p.Leu733=)

Gene: CUL4B (cullin 4B; minus strand). Cytogenetic location: Xq24.
Variant type: single nucleotide variant.
Coding change: c.2197C>T on transcript NM_001079872.2 (MANE Select); coding-DNA position 2197, C replaced by T.
Protein change: p.Leu733=; no amino-acid change (leucine 733 retained).
Molecular consequence: synonymous variant.
Genome position (GRCh38, 1-based): chrX:120,534,550, G>A on the plus strand (C>T on the coding strand, the complement: CUL4B is on the minus strand). VCF-style: chrX-120534550-G-A. GRCh37 (hg19) VCF-style: chrX-119668405-G-A.
Other names: c.2212C>T, p.Leu738= (NM_001330624.2); c.1663C>T, p.Leu555= (NM_001369145.1); c.2251C>T, p.Leu751= (NM_003588.4).
Identifiers: ClinVar variation 4991520 (VCV004991520.1).
Genomic context (GRCh38, chrX:120,534,550, plus strand): 5'-TTGCCTGCTTGATCTCTTCTAAACTGAACTCCTCTCCCTCATTAAACATTAGCAGCACCA[G>A]TGTTTGAAAAAGAGAGACCTGGAGTTCCTTTTTACCCTGTTGAAGAAATAAAAGTGTTTA-3'
Protein context (NP_001073341.1, residues 723-743): KELQVSLFQT[Leu733=]VLLMFNEGEE